The following is an entry in ClinVar:

NM_000138.5(FBN1):c.2023T>C (p.Phe675Leu)

Gene: FBN1 (fibrillin 1; minus strand). Cytogenetic location: 15q21.1.
Variant type: single nucleotide variant.
Coding change: c.2023T>C on transcript NM_000138.5 (MANE Select); coding-DNA position 2023, T replaced by C.
Protein change: p.Phe675Leu; replaces phenylalanine 675 with leucine.
Molecular consequence: missense variant.
Genome position (GRCh38, 1-based): chr15:48,503,877, A>G on the plus strand (T>C on the coding strand, the complement: FBN1 is on the minus strand). VCF-style: chr15-48503877-A-G. GRCh37 (hg19) VCF-style: chr15-48796074-A-G.
Other names: c.2023T>C, p.Phe675Leu (NM_001406716.1); short protein forms F675L.
Identifiers: ClinVar variation 3748169 (VCV003748169.2).

ClinVar aggregate classification (germline): Uncertain significance (1 of 4 stars; one submission).

Conditions:
Marfan syndrome (MFS). Also called: MARFAN SYNDROME, TYPE I; Marfan syndrome type 1; Marfan's syndrome; Marfan syndrome, classic; FBN1-Related Marfan Syndrome. Identifiers: Orphanet 284963, Orphanet 558, MedGen C0024796, MONDO:0007947, OMIM 154700.
Familial thoracic aortic aneurysm and aortic dissection (TAAD). Also called: Thoracic aortic aneurysms and dissections. Identifiers: Orphanet 91387, MedGen C4707243, MONDO:0019625.

Submission:

Labcorp Genetics (formerly Invitae), Labcorp
Classification: Uncertain significance for Marfan syndrome; Familial thoracic aortic aneurysm and aortic dissection. Last evaluated: 2024-10-05. Review status: criteria provided, single submitter. Criteria: Invitae Variant Classification Sherloc (09022015). Collection method: clinical testing. Allele origin: germline.
Comment: This sequence change replaces phenylalanine, which is neutral and non-polar, with leucine, which is neutral and non-polar, at codon 675 of the FBN1 protein (p.Phe675Leu). This variant is not present in population databases (gnomAD no frequency). This variant has not been reported in the literature in individuals affected with FBN1-related conditions. Invitae Evidence Modeling of protein sequence and biophysical properties (such as structural, functional, and spatial information, amino acid conservation, physicochemical variation, residue mobility, and thermodynamic stability) indicates that this missense variant is not expected to disrupt FBN1 protein function with a negative predictive value of 95%. In summary, the available evidence is currently insufficient to determine the role of this variant in disease. Therefore, it has been classified as a Variant of Uncertain Significance.